The following is an entry in ClinVar:

NM_001933.5(DLST):c.1069A>G (p.Asn357Asp)

Gene: DLST (dihydrolipoamide S-succinyltransferase; plus strand). Cytogenetic location: 14q24.3.
Variant type: single nucleotide variant.
Coding change: c.1069A>G on transcript NM_001933.5 (MANE Select); coding-DNA position 1069, A replaced by G.
Protein change: p.Asn357Asp; replaces asparagine 357 with aspartic acid.
Molecular consequence: missense variant. On other transcripts: non-coding transcript variant (2).
Genome position (GRCh38, 1-based): chr14:74,901,075, A>G. VCF-style: chr14-74901075-A-G. GRCh37 (hg19) VCF-style: chr14-75367778-A-G.
Other names: short protein forms N357D.
Identifiers: ClinVar variation 3641023 (VCV003641023.2).

ClinVar aggregate classification (germline): Uncertain significance (1 of 4 stars; one submission).

Submission:

Labcorp Genetics (formerly Invitae), Labcorp
Classification: Uncertain significance. Last evaluated: 2024-02-15. Review status: criteria provided, single submitter. Criteria: Invitae Variant Classification Sherloc (09022015). Collection method: clinical testing. Allele origin: germline.
Comment: This sequence change replaces asparagine, which is neutral and polar, with aspartic acid, which is acidic and polar, at codon 357 of the DLST protein (p.Asn357Asp). This variant is not present in population databases (gnomAD no frequency). This variant has not been reported in the literature in individuals affected with DLST-related conditions. Advanced modeling of protein sequence and biophysical properties (such as structural, functional, and spatial information, amino acid conservation, physicochemical variation, residue mobility, and thermodynamic stability) performed at Invitae indicates that this missense variant is not expected to disrupt DLST protein function with a negative predictive value of 80%. In summary, the available evidence is currently insufficient to determine the role of this variant in disease. Therefore, it has been classified as a Variant of Uncertain Significance.